The following is an entry in ClinVar:

NM_004999.4(MYO6):c.1516G>T (p.Val506Leu)

Gene: MYO6 (myosin VI; plus strand). Cytogenetic location: 6q14.1.
Variant type: single nucleotide variant.
Coding change: c.1516G>T on transcript NM_004999.4 (MANE Select); coding-DNA position 1516, G replaced by T.
Protein change: p.Val506Leu; replaces valine 506 with leucine.
Molecular consequence: missense variant. On other transcripts: non-coding transcript variant (1).
Genome position (GRCh38, 1-based): chr6:75,861,065, G>T. VCF-style: chr6-75861065-G-T. GRCh37 (hg19) VCF-style: chr6-76570782-G-T.
Other names: c.1516G>T, p.Val506Leu (NM_001300899.2, NM_001368136.1, NM_001368137.1 and 2 more transcripts); c.1501G>T, p.Val501Leu (NM_001368138.1); short protein forms V506L, V501L.
Identifiers: ClinVar variation 517209 (VCV000517209.11), dbSNP rs1554211583, ClinGen allele CA364762218.

ClinVar aggregate classification (germline): Uncertain significance. Review status: criteria provided, multiple submitters, no conflicts (2 of 4 stars). 3 submissions from 3 submitters: Uncertain significance (3). Last evaluated 2025-07-29.

Submissions (3):

GeneDx
Classification: Uncertain significance. Last evaluated: 2025-07-29. Review status: criteria provided, single submitter. Criteria: GeneDx Variant Classification Process June 2021. Collection method: clinical testing. Allele origin: germline.
Comment: Not observed at significant frequency in large population cohorts (gnomAD); In silico analysis suggests that this missense variant does not alter protein structure/function; Has not been previously published as pathogenic or benign to our knowledge

Labcorp Genetics (formerly Invitae), Labcorp
Classification: Uncertain significance. Last evaluated: 2024-09-06. Review status: criteria provided, single submitter. Criteria: Invitae Variant Classification Sherloc (09022015). Collection method: clinical testing. Allele origin: germline.
Comment: This sequence change replaces valine, which is neutral and non-polar, with leucine, which is neutral and non-polar, at codon 506 of the MYO6 protein (p.Val506Leu). This variant is not present in population databases (gnomAD no frequency). This variant has not been reported in the literature in individuals affected with MYO6-related conditions. ClinVar contains an entry for this variant (Variation ID: 517209). Invitae Evidence Modeling of protein sequence and biophysical properties (such as structural, functional, and spatial information, amino acid conservation, physicochemical variation, residue mobility, and thermodynamic stability) indicates that this missense variant is not expected to disrupt MYO6 protein function with a negative predictive value of 80%. In summary, the available evidence is currently insufficient to determine the role of this variant in disease. Therefore, it has been classified as a Variant of Uncertain Significance.

Laboratory for Molecular Medicine, Mass General Brigham Personalized Medicine
Classification: Uncertain significance. Last evaluated: 2017-01-17. Review status: criteria provided, single submitter. Criteria: LMM Criteria. Collection method: clinical testing. Allele origin: germline. Observed: 1 variant allele.
Comment: The p.Val506Leu variant in MYO6 has not been previously reported in individuals with hearing loss or in large population studies. Computational prediction tools and conservation analysis suggest that the p.Val506Leu variant may impact the p rotein, though this information is not predictive enough to determine pathogenic ity. In summary, the clinical significance of the p.Val506Leu variant is uncerta in.